The following is an entry in ClinVar:

NM_130797.4(DPP6):c.109G>T (p.Gly37Cys)

Gene: DPP6 (dipeptidyl peptidase like 6; plus strand). Cytogenetic location: 7q36.2.
Variant type: single nucleotide variant.
Coding change: c.109G>T on transcript NM_130797.4 (MANE Select); coding-DNA position 109, G replaced by T.
Protein change: p.Gly37Cys; replaces glycine 37 with cysteine.
Molecular consequence: missense variant. On other transcripts: intron variant (6).
Genome position (GRCh38, 1-based): chr7:154,052,929, G>T. VCF-style: chr7-154052929-G-T. GRCh37 (hg19) VCF-style: chr7-153750014-G-T.
Other names: c.109G>T, p.Gly37Cys (NM_001290253.2); c.60+303921G>T (NM_001364500.2, NM_001364499.2, NM_001364497.2 and 1 more transcripts); c.51+165195G>T (NM_001364501.2, NM_001039350.3); short protein forms G37C.
Identifiers: ClinVar variation 930297 (VCV000930297.3), dbSNP rs2240820, ClinGen allele CA370200827.
Genomic context (GRCh38, chr7:154,052,929, plus strand): 5'-TCCTTCCCCGCGCCCCCGGAGGCGAGTCACCTCCTGGGCGGCCAGGGGCCCGAGGAGGAC[G>T]GCGGCGCAGGAGCCAAGCCCCTCGGCCCGCGGGCGCAGGCGGCGGCGCCCCGGGAGCGCG-3'
Protein context (NP_570629.2, residues 27-47): LLGGQGPEED[Gly37Cys]GAGAKPLGPR

ClinVar aggregate classification (germline): Uncertain significance (1 of 4 stars; one submission).

Conditions:
Intellectual developmental disorder, autosomal dominant 33. Also called: Intellectual disability, autosomal dominant 33. Identifiers: MedGen C4225375, MONDO:0014580, OMIM 616311.

gnomAD v4.1: 22 of 1,468,006 alleles (0.0015%); highest among the groups gnomAD compares: Non-Finnish European, 0.002%; no homozygotes.

Submission:

Centre for Mendelian Genomics, University Medical Centre Ljubljana
Classification: Uncertain significance for Intellectual developmental disorder, autosomal dominant 33. Last evaluated: 2020-01-10. Review status: criteria provided, single submitter. Criteria: ACMG Guidelines, 2015. Collection method: clinical testing. Allele origin: unknown. Affected: yes.
Comment: This variant was classified as: Uncertain significance. The available evidence on this variant's pathogenicity is insufficient or conflicting. The following ACMG criteria were applied in classifying this variant: PM2,BP1.